The following is an entry in ClinVar:

NM_001377530.1(DMBT1):c.5450C>T (p.Ser1817Leu)

Gene: DMBT1 (deleted in malignant brain tumors 1; plus strand). Cytogenetic location: 10q26.13.
Variant type: single nucleotide variant.
Coding change: c.5450C>T on transcript NM_001377530.1 (MANE Select); coding-DNA position 5450, C replaced by T.
Protein change: p.Ser1817Leu; replaces serine 1817 with leucine.
Molecular consequence: missense variant.
Genome position (GRCh38, 1-based): chr10:122,621,222, C>T. VCF-style: chr10-122621222-C-T. GRCh37 (hg19) VCF-style: chr10-124380738-C-T.
Other names: c.5063C>T, p.Ser1688Leu (NM_001320644.2, NM_007329.3); c.3179C>T, p.Ser1060Leu (NM_004406.3); c.5033C>T, p.Ser1678Leu (NM_017579.3); short protein forms S1060L, S1678L, S1688L, S1817L.
Identifiers: ClinVar variation 3040224 (VCV003040224.3), dbSNP rs202031071, ClinGen allele CA5727907.

ClinVar aggregate classification (germline): Uncertain significance. Review status: criteria provided, single submitter (1 of 4 stars). 2 submissions from 2 submitters: Uncertain significance (1). 1 of the submissions does not count toward it. Last evaluated 2025-08-03.

Conditions:
DMBT1-related disorder. Also called: DMBT1-related condition.

Allele frequency attached by ClinVar (database versions not stated): ExAC 0.00062; 1000 Genomes Project 0.00160; gnomAD 0.00169; 1000 Genomes Project 30x 0.00172; TOPMed 0.00187; ESP Exome Variant Server 0.00203.
gnomAD v4.1: 476 of 1,613,830 alleles (0.029%); highest among the groups gnomAD compares: African/African-American, 0.56%; 1 homozygote.

Submissions (2):

Ambry Genetics
Classification: Uncertain significance. Last evaluated: 2025-08-03. Review status: criteria provided, single submitter. Criteria: Ambry Variant Classification Scheme 2023. Collection method: clinical testing. Allele origin: germline.

PreventionGenetics, part of Exact Sciences
Classification: Likely benign for DMBT1-related condition. Last evaluated: 2019-10-28. Review status: no assertion criteria provided. Collection method: clinical testing. Allele origin: germline. Not counted in ClinVar's aggregate classification.
Comment: This variant is classified as likely benign based on ACMG/AMP sequence variant interpretation guidelines (Richards et al. 2015 PMID: 25741868, with internal and published modifications).